The following is an entry in ClinVar:

ClinVar aggregate classification (germline): Likely pathogenic (1 of 4 stars; one submission).

Submission:

CeGaT Center for Human Genetics Tuebingen
Classification: Likely pathogenic. Last evaluated: 2025-07-01. Review status: criteria provided, single submitter. Criteria: CeGaT Center For Human Genetics Tuebingen Variant Classification Criteria Version 2. Collection method: clinical testing. Allele origin: germline. Affected: yes. Observed: 2 variant alleles.
Comment: NDP: PM1, PM2, PM5, PP3, PS3:Supporting, PS4:Supporting

NM_000266.4(NDP):c.329G>A (p.Cys110Tyr)

Genes: NDP (norrin cystine knot growth factor NDP; minus strand), NDP-AS1 (NDP antisense RNA 1; plus strand). Cytogenetic location: Xp11.3.
Variant type: single nucleotide variant.
Coding change: c.329G>A on transcript NM_000266.4 (MANE Select); coding-DNA position 329, G replaced by A.
Protein change: p.Cys110Tyr; replaces cysteine 110 with tyrosine.
Molecular consequence: missense variant. On other transcripts: non-coding transcript variant (1).
Genome position (GRCh38, 1-based): chrX:43,949,872, C>T on the plus strand (G>A on the coding strand, the complement: NDP is on the minus strand). VCF-style: chrX-43949872-C-T. GRCh37 (hg19) VCF-style: chrX-43809118-C-T.
Other names: short protein forms C110Y.
Identifiers: ClinVar variation 4085992 (VCV004085992.8).